The following is an entry in ClinVar:

NM_001374353.1(GLI2):c.2816C>T (p.Ala939Val)

Gene: GLI2 (GLI family zinc finger 2; plus strand). Cytogenetic location: 2q14.2.
Variant type: single nucleotide variant.
Coding change: c.2816C>T on transcript NM_001374353.1 (MANE Select); coding-DNA position 2816, C replaced by T.
Protein change: p.Ala939Val; replaces alanine 939 with valine.
Molecular consequence: missense variant.
Genome position (GRCh38, 1-based): chr2:120,988,781, C>T. VCF-style: chr2-120988781-C-T. GRCh37 (hg19) VCF-style: chr2-121746357-C-T.
Other names: c.2867C>T, p.Ala956Val (NM_001371271.1, NM_005270.5); c.2441C>T, p.Ala814Val (NM_001374354.1); short protein forms A814V, A939V, A956V.
Identifiers: ClinVar variation 1804398 (VCV001804398.2), dbSNP rs2467772189, ClinGen allele CA348169739.

ClinVar aggregate classification (germline): Uncertain significance (1 of 4 stars; one submission).

Submission:

GeneDx
Classification: Uncertain significance. Last evaluated: 2024-07-17. Review status: criteria provided, single submitter. Criteria: GeneDx Variant Classification Process June 2021. Collection method: clinical testing. Allele origin: germline.
Comment: Not observed at significant frequency in large population cohorts (gnomAD); In silico analysis indicates that this missense variant does not alter protein structure/function; Has not been previously published as pathogenic or benign to our knowledge